The following is an entry in ClinVar:

ClinVar aggregate classification (germline): Uncertain significance (1 of 4 stars; one submission).

Allele frequency attached by ClinVar (database versions not stated): gnomAD exomes below 0.00001; TOPMed below 0.00001.

Submission:

Women's Health and Genetics/Laboratory Corporation of America, LabCorp
Classification: Uncertain significance. Last evaluated: 2025-06-03. Review status: criteria provided, single submitter. Criteria: LabCorp Variant Classification Summary - May 2015. Collection method: clinical testing. Allele origin: germline.
Comment: Variant summary: NKX2-5 c.836C>T (p.Ser279Phe) results in a non-conservative amino acid change in the encoded protein sequence. Algorithms developed to predict the effect of missense changes on protein structure and function are either unavailable or do not agree on the potential impact of this missense change. The variant allele was found at a frequency of 4.1e-06 in 243470 control chromosomes (gnomAD). The available data on variant occurrences in the general population are insufficient to allow any conclusion about variant significance. To our knowledge, no occurrence of c.836C>T in individuals affected with Congenital Heart Disease and no experimental evidence demonstrating its impact on protein function have been reported. ClinVar contains an entry for this variant (Variation ID: 3233650). Based on the evidence outlined above, the variant was classified as uncertain significance.

NM_004387.4(NKX2-5):c.836C>T (p.Ser279Phe)

Gene: NKX2-5 (NK2 homeobox 5; minus strand). Cytogenetic location: 5q35.1.
Variant type: single nucleotide variant.
Coding change: c.836C>T on transcript NM_004387.4 (MANE Select); coding-DNA position 836, C replaced by T.
Protein change: p.Ser279Phe; replaces serine 279 with phenylalanine.
Molecular consequence: missense variant. On other transcripts: 3 prime UTR variant (2).
Genome position (GRCh38, 1-based): chr5:173,232,708, G>A on the plus strand (C>T on the coding strand, the complement: NKX2-5 is on the minus strand). VCF-style: chr5-173232708-G-A. GRCh37 (hg19) VCF-style: chr5-172659711-G-A.
Other names: c.*789C>T (NM_001166175.2); c.*635C>T (NM_001166176.2); short protein forms S279F.
Identifiers: ClinVar variation 3233650 (VCV003233650.4), dbSNP rs1223599871, ClinGen allele CA362161073.